The following is an entry in ClinVar:

NM_012479.4(YWHAG):c.21G>C (p.Leu7=)

Gene: YWHAG (tyrosine 3-monooxygenase/tryptophan 5-monooxygenase activation protein gamma; minus strand). Cytogenetic location: 7q11.23.
Variant type: single nucleotide variant.
Coding change: c.21G>C on transcript NM_012479.4 (MANE Select); coding-DNA position 21, G replaced by C.
Protein change: p.Leu7=; no amino-acid change (leucine 7 retained).
Molecular consequence: synonymous variant.
Genome position (GRCh38, 1-based): chr7:76,358,788, C>G on the plus strand (G>C on the coding strand, the complement: YWHAG is on the minus strand). VCF-style: chr7-76358788-C-G. GRCh37 (hg19) VCF-style: chr7-75988105-C-G.
Identifiers: ClinVar variation 1655270 (VCV001655270.29), dbSNP rs190213762, ClinGen allele CA4306612.
Genomic context (GRCh38, chr7:76,358,788, plus strand): 5'-CATGGCCGCGGCCATGTCGTCGTAGCGCTCCGCCTGCTCGGCCAGCCGGGCTTTCTGCAC[C>G]AGTTGCTCGCGGTCCACCATCTTCGCGGGGCTGGGTCTGGCCGGAGAAGGAGGAGGACAC-3'
Protein context (NP_036611.2, residues 1-17): MVDREQ[Leu7=]VQKARLAEQA

ClinVar aggregate classification (germline): Benign/Likely benign. Review status: criteria provided, multiple submitters, no conflicts (2 of 4 stars). 3 submissions from 3 submitters: Benign (2); Likely benign (1). Last evaluated 2025-08-21.

Allele frequency attached by ClinVar (database versions not stated): TOPMed 0.00002; gnomAD 0.00004; 1000 Genomes Project 30x 0.00094; 1000 Genomes Project 0.00100.

Submissions (3):

Labcorp Genetics (formerly Invitae), Labcorp
Classification: Benign. Last evaluated: 2025-08-21. Review status: criteria provided, single submitter. Criteria: Invitae Variant Classification Sherloc (09022015). Collection method: clinical testing. Allele origin: germline.

CeGaT Center for Human Genetics Tuebingen
Classification: Likely benign. Last evaluated: 2024-03-01. Review status: criteria provided, single submitter. Criteria: CeGaT Center For Human Genetics Tuebingen Variant Classification Criteria Version 2. Collection method: clinical testing. Allele origin: germline. Affected: yes. Observed: 1 variant allele.
Comment: YWHAG: BP4, BS1

Breakthrough Genomics
Classification: Benign. Review status: criteria provided, single submitter. Criteria: ACMG Guidelines, 2015. Collection method: not provided. Allele origin: germline. Inheritance: Autosomal dominant inheritance. Affected: yes.